The following is an entry in ClinVar:

ClinVar aggregate classification (germline): Uncertain significance (1 of 4 stars; one submission).

Submission:

Ambry Genetics
Classification: Uncertain significance. Last evaluated: 2026-09-06. Review status: criteria provided, single submitter. Criteria: Ambry Variant Classification Scheme 2023. Collection method: clinical testing. Allele origin: germline.
Comment: The p.A135G variant (also known as c.404C>G), located in coding exon 1 of the MLH3 gene, results from a C to G substitution at nucleotide position 404. The alanine at codon 135 is replaced by glycine, an amino acid with similar properties. This amino acid position is conserved. In addition, the in silico prediction for this alteration is inconclusive. Based on the available evidence, the clinical significance of this variant remains unclear.

NM_001040108.2(MLH3):c.404C>G (p.Ala135Gly)

Gene: MLH3 (mutL homolog 3; minus strand). Cytogenetic location: 14q24.3.
Variant type: single nucleotide variant.
Coding change: c.404C>G on transcript NM_001040108.2 (MANE Select); coding-DNA position 404, C replaced by G.
Protein change: p.Ala135Gly; replaces alanine 135 with glycine.
Molecular consequence: missense variant.
Genome position (GRCh38, 1-based): chr14:75,049,252, G>C on the plus strand (C>G on the coding strand, the complement: MLH3 is on the minus strand). VCF-style: chr14-75049252-G-C. GRCh37 (hg19) VCF-style: chr14-75515955-G-C.
Other names: c.404C>G, p.Ala135Gly (NM_014381.3); short protein forms A135G.
Identifiers: ClinVar variation 5024646 (VCV005024646.1).